The following is an entry in ClinVar:

NM_001923.5(DDB1):c.664+38T>C

Gene: DDB1 (damage specific DNA binding protein 1; minus strand). Cytogenetic location: 11q12.2.
Variant type: single nucleotide variant.
Coding change: c.664+38T>C on transcript NM_001923.5 (MANE Select); 38 bases into the intron after coding-DNA position 664, T replaced by C.
Molecular consequence: intron variant.
Genome position (GRCh38, 1-based): chr11:61,326,741, A>G on the plus strand (T>C on the coding strand, the complement: DDB1 is on the minus strand). VCF-style: chr11-61326741-A-G. GRCh37 (hg19) VCF-style: chr11-61094213-A-G.
Identifiers: ClinVar variation 1710454 (VCV001710454.3), dbSNP rs2539687336, ClinGen allele CA2580084342.

ClinVar aggregate classification (germline): Uncertain significance (1 of 4 stars; one submission).

Submission:

Greenwood Genetic Center Diagnostic Laboratories, Greenwood Genetic Center
Classification: Uncertain significance. Last evaluated: 2022-07-26. Review status: criteria provided, single submitter. Criteria: ACMG Guidelines, 2015. Collection method: clinical testing. Allele origin: germline. Affected: yes.
Comment: PM2